The following is an entry in ClinVar:

ClinVar aggregate classification (germline): Uncertain significance (1 of 4 stars; one submission).

Conditions:
Cardiovascular phenotype. Identifiers: MedGen CN230736.

Submission:

Ambry Genetics
Classification: Uncertain significance for Cardiovascular phenotype. Last evaluated: 2021-11-22. Review status: criteria provided, single submitter. Criteria: Ambry Variant Classification Scheme 2023. Collection method: clinical testing. Allele origin: germline.
Comment: The p.L761F variant (also known as c.2281C>T), located in coding exon 17 of the RASA1 gene, results from a C to T substitution at nucleotide position 2281. The leucine at codon 761 is replaced by phenylalanine, an amino acid with highly similar properties. This amino acid position is conserved. In addition, this alteration is predicted to be tolerated by in silico analysis. Since supporting evidence is limited at this time, the clinical significance of this alteration remains unclear.

NM_002890.3(RASA1):c.2281C>T (p.Leu761Phe)

Genes: CCNH (cyclin H; minus strand), RASA1 (RAS p21 protein activator 1; plus strand). Cytogenetic location: 5q14.3.
Variant type: single nucleotide variant.
Coding change: c.2281C>T on transcript NM_002890.3 (MANE Select); coding-DNA position 2281, C replaced by T.
Protein change: p.Leu761Phe; replaces leucine 761 with phenylalanine.
Molecular consequence: missense variant. On other transcripts: intron variant (1).
Genome position (GRCh38, 1-based): chr5:87,376,977, C>T. VCF-style: chr5-87376977-C-T. GRCh37 (hg19) VCF-style: chr5-86672794-C-T.
Other names: c.1750C>T, p.Leu584Phe (NM_022650.3); c.933+18067G>A (NM_001364075.2); short protein forms L584F, L761F.
Identifiers: ClinVar variation 1788948 (VCV001788948.2), dbSNP rs2531349981, ClinGen allele CA360380878.